The following is an entry in ClinVar:

NM_016169.4(SUFU):c.1360G>C (p.Glu454Gln)

Gene: SUFU (SUFU negative regulator of hedgehog signaling; plus strand). Cytogenetic location: 10q24.32.
Variant type: single nucleotide variant.
Coding change: c.1360G>C on transcript NM_016169.4 (MANE Select); coding-DNA position 1360, G replaced by C.
Protein change: p.Glu454Gln; replaces glutamic acid 454 with glutamine.
Molecular consequence: missense variant.
Genome position (GRCh38, 1-based): chr10:102,627,238, G>C. VCF-style: chr10-102627238-G-C. GRCh37 (hg19) VCF-style: chr10-104386995-G-C.
Other names: short protein forms E454Q.
Identifiers: ClinVar variation 2953999 (VCV002953999.4), dbSNP rs1383666584, ClinGen allele CA377918863.

ClinVar aggregate classification (germline): Uncertain significance. Review status: criteria provided, multiple submitters, no conflicts (2 of 4 stars). 2 submissions from 2 submitters: Uncertain significance (2). Last evaluated 2025-11-15.

Conditions:
Medulloblastoma (MDB). Also called: MEDULLOBLASTOMA PREDISPOSITION SYNDROME; Medulloblastoma, somatic. Identifiers: Orphanet 616, MedGen C0025149, MeSH D008527, MONDO:0007959, OMIM 155255, HP:0002885.
Gorlin syndrome. Also called: Nevoid Basal Cell Carcinoma Syndrome; Basal cell nevus syndrome. Identifiers: Orphanet 377, MedGen C0004779, MONDO:0007187.
Hereditary cancer-predisposing syndrome. Also called: Tumor predisposition; Hereditary Cancer Syndrome; Neoplastic Syndromes, Hereditary; Hereditary neoplastic syndrome. Identifiers: Orphanet 140162, MedGen C0027672, MeSH D009386, MONDO:0015356.

Submissions (2):

Ambry Genetics
Classification: Uncertain significance for Hereditary cancer-predisposing syndrome. Last evaluated: 2025-11-15. Review status: criteria provided, single submitter. Criteria: Ambry Variant Classification Scheme 2023. Collection method: clinical testing. Allele origin: germline.
Comment: The p.E454Q variant (also known as c.1360G>C), located in coding exon 11 of the SUFU gene, results from a G to C substitution at nucleotide position 1360. The glutamic acid at codon 454 is replaced by glutamine, an amino acid with highly similar properties. This amino acid position is conserved. In addition, this alteration is predicted to be tolerated by in silico analysis. Based on the available evidence, the clinical significance of this variant remains unclear.

Labcorp Genetics (formerly Invitae), Labcorp
Classification: Uncertain significance for Gorlin syndrome; Medulloblastoma. Last evaluated: 2023-11-18. Review status: criteria provided, single submitter. Criteria: Invitae Variant Classification Sherloc (09022015). Collection method: clinical testing. Allele origin: germline.
Comment: This sequence change replaces glutamic acid, which is acidic and polar, with glutamine, which is neutral and polar, at codon 454 of the SUFU protein (p.Glu454Gln). This variant is present in population databases (no rsID available, gnomAD 0.0009%). This variant has not been reported in the literature in individuals affected with SUFU-related conditions. Advanced modeling of protein sequence and biophysical properties (such as structural, functional, and spatial information, amino acid conservation, physicochemical variation, residue mobility, and thermodynamic stability) performed at Invitae indicates that this missense variant is not expected to disrupt SUFU protein function with a negative predictive value of 80%. In summary, the available evidence is currently insufficient to determine the role of this variant in disease. Therefore, it has been classified as a Variant of Uncertain Significance.